The following is an entry in ClinVar:

NM_144651.5(PXDNL):c.3398C>T (p.Ala1133Val)

Gene: PXDNL (peroxidasin like; minus strand). Cytogenetic location: 8q11.22.
Variant type: single nucleotide variant.
Coding change: c.3398C>T on transcript NM_144651.5 (MANE Select); coding-DNA position 3398, C replaced by T.
Protein change: p.Ala1133Val; replaces alanine 1133 with valine.
Molecular consequence: missense variant.
Genome position (GRCh38, 1-based): chr8:51,408,226, G>A on the plus strand (C>T on the coding strand, the complement: PXDNL is on the minus strand). VCF-style: chr8-51408226-G-A. GRCh37 (hg19) VCF-style: chr8-52320786-G-A.
Other names: short protein forms A1133V.
Identifiers: ClinVar variation 778396 (VCV000778396.7), dbSNP rs74731075, ClinGen allele CA4744819.

ClinVar aggregate classification (germline): Benign. Review status: criteria provided, multiple submitters, no conflicts (2 of 4 stars). 3 submissions from 3 submitters: Benign (2). 1 of the submissions does not count toward it. Last evaluated 2019-12-31.

Conditions:
PXDNL-related disorder. Also called: PXDNL-related condition.

Allele frequency attached by ClinVar (database versions not stated): gnomAD exomes 0.00241; ExAC 0.00671; gnomAD 0.02221 and 0.02384; ESP Exome Variant Server 0.02238; TOPMed 0.02539; 1000 Genomes Project 0.02616; 1000 Genomes Project 30x 0.02717.
gnomAD v4.1: 7,067 of 1,613,952 alleles (0.44%); highest among the groups gnomAD compares: African/African-American, 7.7%; 262 homozygotes.

Submissions (3):

Labcorp Genetics (formerly Invitae), Labcorp
Classification: Benign. Last evaluated: 2019-12-31. Review status: criteria provided, single submitter. Criteria: Invitae Variant Classification Sherloc (09022015). Collection method: clinical testing. Allele origin: germline.

Breakthrough Genomics
Classification: Benign. Review status: criteria provided, single submitter. Criteria: ACMG Guidelines, 2015. Collection method: not provided. Allele origin: germline. Inheritance: Unknown mechanism. Affected: yes.

PreventionGenetics, part of Exact Sciences
Classification: Benign for PXDNL-related condition. Last evaluated: 2019-06-10. Review status: no assertion criteria provided. Collection method: clinical testing. Allele origin: germline. Not counted in ClinVar's aggregate classification.
Comment: This variant is classified as benign based on ACMG/AMP sequence variant interpretation guidelines (Richards et al. 2015 PMID: 25741868, with internal and published modifications).